The following is an entry in ClinVar:

NM_021074.5(NDUFV2):c.346G>C (p.Ala116Pro)

Genes: NDUFV2 (NADH:ubiquinone oxidoreductase core subunit V2; plus strand), NDUFV2-AS1 (NDUFV2 antisense RNA 1; minus strand). Cytogenetic location: 18p11.22.
Variant type: single nucleotide variant.
Coding change: c.346G>C on transcript NM_021074.5 (MANE Select); coding-DNA position 346, G replaced by C.
Protein change: p.Ala116Pro; replaces alanine 116 with proline.
Molecular consequence: missense variant.
Genome position (GRCh38, 1-based): chr18:9,122,558, G>C. VCF-style: chr18-9122558-G-C. GRCh37 (hg19) VCF-style: chr18-9122556-G-C.
Other names: short protein forms A116P.
Identifiers: ClinVar variation 3256772 (VCV003256772.1).

ClinVar aggregate classification (germline): Likely pathogenic (0 of 4 stars; one submission).

Conditions:
Mitochondrial complex I deficiency, nuclear type 7. Also called: Mitochondrial complex 1 deficiency, nuclear type 7. Identifiers: MedGen C4748760, MONDO:0032612, OMIM 618229.

Submission:

Solve-RD Consortium
Classification: Likely pathogenic for Mitochondrial complex I deficiency, nuclear type 7. Last evaluated: 2022-06-01. Review status: no assertion criteria provided. Collection method: provider interpretation. Allele origin: inherited. Affected: yes.
Comment: Variant confirmed as disease-causing by referring clinical team

Variant identified during reanalysis of unsolved cases by the Solve-RD project. The Solve-RD project has received funding from the European Union’s Horizon 2020 research and innovation programme under grant agreement No 779257.

Literature cited by the submitters: PubMed 39825153.